The following is an entry in ClinVar:

NM_003491.4(NAA10):c.584G>A (p.Arg195His)

Gene: NAA10 (N-alpha-acetyltransferase 10, NatA catalytic subunit; minus strand). Cytogenetic location: Xq28.
Variant type: single nucleotide variant.
Coding change: c.584G>A on transcript NM_003491.4 (MANE Select); coding-DNA position 584, G replaced by A.
Protein change: p.Arg195His; replaces arginine 195 with histidine.
Molecular consequence: missense variant.
Genome position (GRCh38, 1-based): chrX:153,930,111, C>T on the plus strand (G>A on the coding strand, the complement: NAA10 is on the minus strand). VCF-style: chrX-153930111-C-T. GRCh37 (hg19) VCF-style: chrX-153195564-C-T.
Other names: c.539G>A, p.Arg180His (NM_001256119.2); c.566G>A, p.Arg189His (NM_001256120.2); short protein forms R189H, R195H, R180H.
Identifiers: ClinVar variation 3670382 (VCV003670382.2).

ClinVar aggregate classification (germline): Uncertain significance (1 of 4 stars; one submission).

Submission:

Labcorp Genetics (formerly Invitae), Labcorp
Classification: Uncertain significance. Last evaluated: 2024-03-20. Review status: criteria provided, single submitter. Criteria: Invitae Variant Classification Sherloc (09022015). Collection method: clinical testing. Allele origin: germline.
Comment: This sequence change replaces arginine, which is basic and polar, with histidine, which is basic and polar, at codon 195 of the NAA10 protein (p.Arg195His). This variant is present in population databases (rs782590073, gnomAD 0.008%), including at least one homozygous and/or hemizygous individual. This variant has not been reported in the literature in individuals affected with NAA10-related conditions. An algorithm developed to predict the effect of missense changes on protein structure and function (PolyPhen-2) suggests that this variant is likely to be tolerated. In summary, the available evidence is currently insufficient to determine the role of this variant in disease. Therefore, it has been classified as a Variant of Uncertain Significance.